The following is an entry in ClinVar:

NM_004463.3(FGD1):c.1687C>T (p.Arg563Cys)

Gene: FGD1 (FYVE, RhoGEF and PH domain containing 1; minus strand). Cytogenetic location: Xp11.22.
Variant type: single nucleotide variant.
Coding change: c.1687C>T on transcript NM_004463.3 (MANE Select); coding-DNA position 1687, C replaced by T.
Protein change: p.Arg563Cys; replaces arginine 563 with cysteine.
Molecular consequence: missense variant.
Genome position (GRCh38, 1-based): chrX:54,456,517, G>A on the plus strand (C>T on the coding strand, the complement: FGD1 is on the minus strand). VCF-style: chrX-54456517-G-A. GRCh37 (hg19) VCF-style: chrX-54482950-G-A.
Other names: short protein forms R563C.
Identifiers: ClinVar variation 2125627 (VCV002125627.4), dbSNP rs1376584350, ClinGen allele CA413360481.

ClinVar aggregate classification (germline): Uncertain significance (1 of 4 stars; one submission).

Allele frequency attached by ClinVar (database versions not stated): gnomAD exomes below 0.00001.
gnomAD v4.1: 4 of 1,211,238 alleles (0.00033%); highest among the groups gnomAD compares: South Asian, 0.0035%; no homozygotes.

Submission:

Labcorp Genetics (formerly Invitae), Labcorp
Classification: Uncertain significance. Last evaluated: 2022-07-23. Review status: criteria provided, single submitter. Criteria: Invitae Variant Classification Sherloc (09022015). Collection method: clinical testing. Allele origin: germline.
Comment: In summary, the available evidence is currently insufficient to determine the role of this variant in disease. Therefore, it has been classified as a Variant of Uncertain Significance. Algorithms developed to predict the effect of missense changes on protein structure and function are either unavailable or do not agree on the potential impact of this missense change (SIFT: "Deleterious"; PolyPhen-2: "Possibly Damaging"; Align-GVGD: "Class C0"). This variant has not been reported in the literature in individuals affected with FGD1-related conditions. The frequency data for this variant in the population databases is considered unreliable, as metrics indicate poor data quality at this position in the gnomAD database. This sequence change replaces arginine, which is basic and polar, with cysteine, which is neutral and slightly polar, at codon 563 of the FGD1 protein (p.Arg563Cys).